The following is an entry in ClinVar:

ClinVar aggregate classification (germline): Uncertain significance. Review status: criteria provided, multiple submitters, no conflicts (2 of 4 stars). 2 submissions from 2 submitters: Uncertain significance (2). Last evaluated 2026-02-18.

Conditions:
Developmental and epileptic encephalopathy. Identifiers: MedGen C5779964, MONDO:0100620.

Allele frequency attached by ClinVar (database versions not stated): gnomAD exomes below 0.00001 and 0.00001; TOPMed below 0.00001; gnomAD 0.00001 and 0.00002; 1000 Genomes Project 0.00020; ExAC 0.00002; 1000 Genomes Project 30x 0.00016.
gnomAD v4.1: 5 of 1,584,766 alleles (0.00032%); highest among the groups gnomAD compares: Admixed American, 0.0074%; no homozygotes.

Submissions (2):

Women's Health and Genetics/Laboratory Corporation of America, LabCorp
Classification: Uncertain significance. Last evaluated: 2026-02-18. Review status: criteria provided, single submitter. Criteria: LabCorp Variant Classification Summary - May 2015. Collection method: clinical testing. Allele origin: germline.
Comment: Variant summary: CACNA2D2 c.2935C>T (p.Leu979Phe) results in a non-conservative amino acid change located in the Voltage-dependent calcium channel, alpha-2/delta subunit, conserved region domain (IPR013680) of the encoded protein sequence. Algorithms developed to predict the effect of missense changes on protein structure and function are either unavailable or do not agree on the potential impact of this missense change. The variant allele was found at a frequency of 5e-06 in 200004 control chromosomes. The available data on variant occurrences in the general population are insufficient to allow any conclusion about variant significance. To our knowledge, no occurrence of c.2935C>T in individuals affected with CACNA2D2-related conditions and no experimental evidence demonstrating its impact on protein function have been reported. ClinVar contains an entry for this variant (Variation ID: 998630). Based on the evidence outlined above, the variant was classified as uncertain significance.

Labcorp Genetics (formerly Invitae), Labcorp
Classification: Uncertain significance for Early-infantile DEE. Last evaluated: 2021-08-28. Review status: criteria provided, single submitter. Criteria: Invitae Variant Classification Sherloc (09022015). Collection method: clinical testing. Allele origin: germline.
Comment: This sequence change replaces leucine with phenylalanine at codon 979 of the CACNA2D2 protein (p.Leu979Phe). The leucine residue is highly conserved and there is a small physicochemical difference between leucine and phenylalanine. This variant is present in population databases (rs587637498, ExAC 0.07%). This variant has not been reported in the literature in individuals affected with CACNA2D2-related conditions. Algorithms developed to predict the effect of missense changes on protein structure and function are either unavailable or do not agree on the potential impact of this missense change (SIFT: "Deleterious"; PolyPhen-2: "Probably Damaging"; Align-GVGD: "Class C0"). In summary, the available evidence is currently insufficient to determine the role of this variant in disease. Therefore, it has been classified as a Variant of Uncertain Significance.

NM_006030.4(CACNA2D2):c.2935C>T (p.Leu979Phe)

Genes: CACNA2D2 (calcium voltage-gated channel auxiliary subunit alpha2delta 2; minus strand), LOC127898564 (CYB561D2-LOC101928965; plus strand), LOC101928965 (uncharacterized LOC101928965; plus strand). Cytogenetic location: 3p21.31.
Variant type: single nucleotide variant.
Coding change: c.2935C>T on transcript NM_006030.4 (MANE Select); coding-DNA position 2935, C replaced by T.
Protein change: p.Leu979Phe; replaces leucine 979 with phenylalanine.
Molecular consequence: missense variant. On other transcripts: non-coding transcript variant (2).
Genome position (GRCh38, 1-based): chr3:50,365,669, G>A on the plus strand (C>T on the coding strand, the complement: CACNA2D2 is on the minus strand). VCF-style: chr3-50365669-G-A. GRCh37 (hg19) VCF-style: chr3-50403100-G-A.
Other names: c.2935C>T (NM_006030.3); c.2935C>T, p.Leu979Phe (NM_001005505.3); c.2956C>T, p.Leu986Phe (NM_001174051.3); c.2728C>T, p.Leu910Phe (NM_001291101.1); short protein forms L910F, L979F, L986F.
Identifiers: ClinVar variation 998630 (VCV000998630.6), dbSNP rs587637498, ClinGen allele CA2418298.